The following is an entry in ClinVar:

NM_033225.6(CSMD1):c.9723C>G (p.Phe3241Leu)

Genes: CSMD1 (CUB and Sushi multiple domains 1; minus strand), LOC105377785 (uncharacterized LOC105377785; plus strand). Cytogenetic location: 8p23.2.
Variant type: single nucleotide variant.
Coding change: c.9723C>G on transcript NM_033225.6 (MANE Select); coding-DNA position 9723, C replaced by G.
Protein change: p.Phe3241Leu; replaces phenylalanine 3241 with leucine.
Molecular consequence: missense variant.
Genome position (GRCh38, 1-based): chr8:2,957,787, G>C on the plus strand (C>G on the coding strand, the complement: CSMD1 is on the minus strand). VCF-style: chr8-2957787-G-C. GRCh37 (hg19) VCF-style: chr8-2815309-G-C.
Other names: short protein forms F3241L.
Identifiers: ClinVar variation 3044563 (VCV003044563.3), dbSNP rs775113766, ClinGen allele CA4605016.

ClinVar aggregate classification (germline): Uncertain significance. Review status: criteria provided, single submitter (1 of 4 stars). 2 submissions from 2 submitters: Uncertain significance (1). 1 of the submissions does not count toward it. Last evaluated 2025-08-06.

Conditions:
CSMD1-related disorder. Also called: CSMD1-related condition.

Allele frequency attached by ClinVar (database versions not stated): gnomAD 0.00007; TOPMed 0.00028; ExAC 0.00051.
gnomAD v4.1: 157 of 1,586,494 alleles (0.0099%); highest among the groups gnomAD compares: Admixed American, 0.27%; 1 homozygote.

Submissions (2):

Ambry Genetics
Classification: Uncertain significance. Last evaluated: 2025-08-06. Review status: criteria provided, single submitter. Criteria: Ambry Variant Classification Scheme 2023. Collection method: clinical testing. Allele origin: germline.

PreventionGenetics, part of Exact Sciences
Classification: Likely benign for CSMD1-related condition. Last evaluated: 2022-08-10. Review status: no assertion criteria provided. Collection method: clinical testing. Allele origin: germline. Not counted in ClinVar's aggregate classification.
Comment: This variant is classified as likely benign based on ACMG/AMP sequence variant interpretation guidelines (Richards et al. 2015 PMID: 25741868, with internal and published modifications).